The following is an entry in ClinVar:

ClinVar aggregate classification (germline): Uncertain significance (1 of 4 stars; one submission).

Conditions:
Familial thoracic aortic aneurysm and aortic dissection (TAAD). Also called: Thoracic aortic aneurysms and dissections. Identifiers: Orphanet 91387, MedGen C4707243, MONDO:0019625.

gnomAD v4.1: 4 of 1,611,538 alleles (0.00025%); highest among the groups gnomAD compares: Admixed American, 0.0017%; no homozygotes.

Submission:

Ambry Genetics
Classification: Uncertain significance for Familial thoracic aortic aneurysm and aortic dissection. Last evaluated: 2025-08-20. Review status: criteria provided, single submitter. Criteria: Ambry Variant Classification Scheme 2023. Collection method: clinical testing. Allele origin: germline.
Comment: The p.N793S variant (also known as c.2378A>G), located in coding exon 15 of the NOTCH1 gene, results from an A to G substitution at nucleotide position 2378. The asparagine at codon 793 is replaced by serine, an amino acid with highly similar properties. This amino acid position is conserved. In addition, this alteration is predicted to be tolerated by in silico analysis. Based on the available evidence, the clinical significance of this variant remains unclear.

NM_017617.5(NOTCH1):c.2378A>G (p.Asn793Ser)

Gene: NOTCH1 (notch receptor 1; minus strand). Cytogenetic location: 9q34.3.
Variant type: single nucleotide variant.
Coding change: c.2378A>G on transcript NM_017617.5 (MANE Select); coding-DNA position 2378, A replaced by G.
Protein change: p.Asn793Ser; replaces asparagine 793 with serine.
Molecular consequence: missense variant.
Genome position (GRCh38, 1-based): chr9:136,513,110, T>C on the plus strand (A>G on the coding strand, the complement: NOTCH1 is on the minus strand). VCF-style: chr9-136513110-T-C. GRCh37 (hg19) VCF-style: chr9-139407562-T-C.
Other names: short protein forms N793S.
Identifiers: ClinVar variation 4121664 (VCV004121664.1).